The following is an entry in ClinVar:

NM_006231.4(POLE):c.6233G>A (p.Arg2078Gln)

Gene: POLE (DNA polymerase epsilon, catalytic subunit; minus strand). Cytogenetic location: 12q24.33.
Variant type: single nucleotide variant.
Coding change: c.6233G>A on transcript NM_006231.4 (MANE Select); coding-DNA position 6233, G replaced by A.
Protein change: p.Arg2078Gln; replaces arginine 2078 with glutamine.
Molecular consequence: missense variant.
Genome position (GRCh38, 1-based): chr12:132,632,412, C>T on the plus strand (G>A on the coding strand, the complement: POLE is on the minus strand). VCF-style: chr12-132632412-C-T. GRCh37 (hg19) VCF-style: chr12-133208998-C-T.
Other names: short protein forms R2078Q.
Identifiers: ClinVar variation 473787 (VCV000473787.12), dbSNP rs745721448, ClinGen allele CA6892246.

ClinVar aggregate classification (germline): Uncertain significance. Review status: criteria provided, multiple submitters, no conflicts (2 of 4 stars). 3 submissions from 3 submitters: Uncertain significance (3). Last evaluated 2026-02-17.

Conditions:
Hereditary cancer-predisposing syndrome. Also called: Neoplastic Syndromes, Hereditary; Tumor predisposition; Hereditary neoplastic syndrome; Hereditary Cancer Syndrome. Identifiers: Orphanet 140162, MedGen C0027672, MeSH D009386, MONDO:0015356.

Allele frequency attached by ClinVar (database versions not stated): gnomAD 0.00001; ExAC 0.00002; TOPMed 0.00001; gnomAD exomes 0.00002 and 0.00005.
gnomAD v4.1: 75 of 1,613,860 alleles (0.0046%); highest among the groups gnomAD compares: Non-Finnish European, 0.0058%; no homozygotes.

Submissions (3):

Ambry Genetics
Classification: Uncertain significance for Hereditary cancer-predisposing syndrome. Last evaluated: 2026-02-17. Review status: criteria provided, single submitter. Criteria: Ambry Variant Classification Scheme 2023. Collection method: clinical testing. Allele origin: germline.

Labcorp Genetics (formerly Invitae), Labcorp
Classification: Uncertain significance. Last evaluated: 2024-09-06. Review status: criteria provided, single submitter. Criteria: Invitae Variant Classification Sherloc (09022015). Collection method: clinical testing. Allele origin: germline.
Comment: This sequence change replaces arginine, which is basic and polar, with glutamine, which is neutral and polar, at codon 2078 of the POLE protein (p.Arg2078Gln). This variant is present in population databases (rs745721448, gnomAD 0.006%). This missense change has been observed in individual(s) with gastrointestinal cancer (PMID: 34326862). ClinVar contains an entry for this variant (Variation ID: 473787). An algorithm developed to predict the effect of missense changes on protein structure and function (PolyPhen-2) suggests that this variant¬†is likely to be tolerated. In summary, the available evidence is currently insufficient to determine the role of this variant in disease. Therefore, it has been classified as a Variant of Uncertain Significance.

GeneDx
Classification: Uncertain significance. Last evaluated: 2023-09-27. Review status: criteria provided, single submitter. Criteria: GeneDx Variant Classification Process June 2021. Collection method: clinical testing. Allele origin: germline.
Comment: Not observed at significant frequency in large population cohorts (gnomAD); In silico analysis supports that this missense variant does not alter protein structure/function; Identified in an individual with prostate and other cancer (Bhai et al., 2021); This variant is associated with the following publications: (PMID: 34326862)

Literature cited by the submitters: PubMed 34326862 (cited by Labcorp Genetics (formerly Invitae), Labcorp).